The following is an entry in ClinVar:

ClinVar aggregate classification (germline): Uncertain significance (1 of 4 stars; one submission).

Allele frequency attached by ClinVar (database versions not stated): ExAC 0.00002; gnomAD exomes 0.00002 and 0.00005; TOPMed 0.00005.
gnomAD v4.1: 11 of 1,613,588 alleles (0.00068%); highest among the groups gnomAD compares: Admixed American, 0.018%; no homozygotes.

Submission:

Labcorp Genetics (formerly Invitae), Labcorp
Classification: Uncertain significance. Last evaluated: 2025-11-17. Review status: criteria provided, single submitter. Criteria: Invitae Variant Classification Sherloc (09022015). Collection method: clinical testing. Allele origin: germline.
Comment: This sequence change replaces lysine, which is basic and polar, with glutamine, which is neutral and polar, at codon 487 of the SPPL2A protein (p.Lys487Gln). This variant is present in population databases (rs772099878, gnomAD 0.04%). This variant has not been reported in the literature in individuals affected with SPPL2A-related conditions. ClinVar contains an entry for this variant (Variation ID: 1057300). An algorithm developed to predict the effect of missense changes on protein structure and function (PolyPhen-2) suggests that this variant is likely to be tolerated. In summary, the available evidence is currently insufficient to determine the role of this variant in disease. Therefore, it has been classified as a Variant of Uncertain Significance.

NM_032802.4(SPPL2A):c.1459A>C (p.Lys487Gln)

Gene: SPPL2A (signal peptide peptidase like 2A; minus strand). Cytogenetic location: 15q21.2.
Variant type: single nucleotide variant.
Coding change: c.1459A>C on transcript NM_032802.4 (MANE Select); coding-DNA position 1459, A replaced by C.
Protein change: p.Lys487Gln; replaces lysine 487 with glutamine.
Molecular consequence: missense variant.
Genome position (GRCh38, 1-based): chr15:50,719,969, T>G on the plus strand (A>C on the coding strand, the complement: SPPL2A is on the minus strand). VCF-style: chr15-50719969-T-G. GRCh37 (hg19) VCF-style: chr15-51012166-T-G.
Other names: short protein forms K487Q.
Identifiers: ClinVar variation 1057300 (VCV001057300.7), dbSNP rs772099878, ClinGen allele CA7558187.